The following is an entry in ClinVar:

NM_001303256.3(MORC2):c.1186A>G (p.Lys396Glu)

Gene: MORC2 (MORC family CW-type zinc finger 2; minus strand). Cytogenetic location: 22q12.2.
Variant type: single nucleotide variant.
Coding change: c.1186A>G on transcript NM_001303256.3 (MANE Select); coding-DNA position 1186, A replaced by G.
Protein change: p.Lys396Glu; replaces lysine 396 with glutamic acid.
Molecular consequence: missense variant.
Genome position (GRCh38, 1-based): chr22:30,938,093, T>C on the plus strand (A>G on the coding strand, the complement: MORC2 is on the minus strand). VCF-style: chr22-30938093-T-C. GRCh37 (hg19) VCF-style: chr22-31334080-T-C.
Other names: c.1186A>G, p.Lys396Glu (NM_001303257.2); c.1000A>G, p.Lys334Glu (NM_014941.3); short protein forms K334E, K396E.
Identifiers: ClinVar variation 2862944 (VCV002862944.3), dbSNP rs2517590802, ClinGen allele CA411239288.

ClinVar aggregate classification (germline): Uncertain significance (1 of 4 stars; one submission).

Conditions:
Charcot-Marie-Tooth disease axonal type 2Z. Also called: CHARCOT-MARIE-TOOTH DISEASE, AXONAL, AUTOSOMAL DOMINANT, TYPE 2Z; CHARCOT-MARIE-TOOTH NEUROPATHY, TYPE 2Z. Identifiers: Orphanet 466768, MedGen C5569025, MONDO:0014736, OMIM 616688.

Submission:

Labcorp Genetics (formerly Invitae), Labcorp
Classification: Uncertain significance for Charcot-Marie-Tooth disease axonal type 2Z. Last evaluated: 2023-05-09. Review status: criteria provided, single submitter. Criteria: Invitae Variant Classification Sherloc (09022015). Collection method: clinical testing. Allele origin: germline.
Comment: In summary, the available evidence is currently insufficient to determine the role of this variant in disease. Therefore, it has been classified as a Variant of Uncertain Significance. Advanced modeling of protein sequence and biophysical properties (such as structural, functional, and spatial information, amino acid conservation, physicochemical variation, residue mobility, and thermodynamic stability) performed at Invitae indicates that this missense variant is expected to disrupt MORC2 protein function. This variant has not been reported in the literature in individuals affected with MORC2-related conditions. This variant is not present in population databases (gnomAD no frequency). This sequence change replaces lysine, which is basic and polar, with glutamic acid, which is acidic and polar, at codon 396 of the MORC2 protein (p.Lys396Glu).